The following is an entry in ClinVar:

ClinVar aggregate classification (germline): Pathogenic/Likely pathogenic. Review status: criteria provided, multiple submitters, no conflicts (2 of 4 stars). 3 submissions from 3 submitters: Pathogenic (1); Likely pathogenic (2). Last evaluated 2024-05-21.

Conditions:
Hereditary breast ovarian cancer syndrome. Also called: Hereditary breast and ovarian cancer syndrome (HBOC); Breast and ovarian cancer; Hereditary breast and ovarian cancer syndrome; Hereditary breast and ovarian cancer; BRCA1- and BRCA2-Associated Hereditary Breast and Ovarian Cancer; Hereditary breast and/or ovarian cancer syndrome. Identifiers: Orphanet 145, MedGen C0677776, MeSH D061325, MONDO:0003582. Disease mechanism: loss of function.
Breast-ovarian cancer, familial, susceptibility to, 1 (BROVCA1). Also called: BRCA1 Hereditary Breast and Ovarian Cancer; OVARIAN CANCER, SUSCEPTIBILITY TO. Identifiers: Orphanet 145, MedGen C2676676, MONDO:0011450, OMIM 604370. Disease mechanism: loss of function.

Submissions (4):

Myriad Genetics, Inc.
Classification: Likely pathogenic for Breast-ovarian cancer, familial, susceptibility to, 1. Last evaluated: 2024-05-21. Review status: criteria provided, single submitter. Criteria: Myriad Autosomal Dominant, Autosomal Recessive and X-Linked Classification Criteria (2023). Collection method: clinical testing. Allele origin: unknown.
Comment: This variant is considered likely pathogenic. This variant is strongly associated with more severe personal and family histories of cancer, typical for individuals with pathogenic variants in this gene [PMID: 25085752].

Labcorp Genetics (formerly Invitae), Labcorp
Classification: Likely pathogenic for Hereditary breast ovarian cancer syndrome. Last evaluated: 2022-08-21. Review status: criteria provided, single submitter. Criteria: Invitae Variant Classification Sherloc (09022015). Collection method: clinical testing. Allele origin: germline.
Comment: In summary, the currently available evidence indicates that the variant is pathogenic, but additional data are needed to prove that conclusively. Therefore, this variant has been classified as Likely Pathogenic. This variant disrupts the c.4986+5G nucleotide in the BRCA1 gene. Other variant(s) that disrupt this nucleotide have been determined to be pathogenic (PMID: 23239986, 23451180, 30209399). This suggests that this nucleotide is clinically significant, and that variants that disrupt this position are likely to be disease-causing. Variants that disrupt the consensus splice site are a relatively common cause of aberrant splicing (PMID: 17576681, 9536098). Algorithms developed to predict the effect of sequence changes on RNA splicing suggest that this variant may disrupt the consensus splice site. Experimental studies have shown that this variant affects BRCA1 function (PMID: 30209399). ClinVar contains an entry for this variant (Variation ID: 267562). This variant has been observed in individual(s) with breast and/or ovarian cancer (PMID: 27062684). This variant is not present in population databases (gnomAD no frequency). This sequence change falls in intron 15 of the BRCA1 gene. It does not directly change the encoded amino acid sequence of the BRCA1 protein. It affects a nucleotide within the consensus splice site.

Consortium of Investigators of Modifiers of BRCA1/2 (CIMBA), c/o University of Cambridge
Classification: Pathogenic for Breast-ovarian cancer, familial, susceptibility to, 1. Last evaluated: 2015-10-02. Review status: criteria provided, single submitter. Criteria: CIMBA Mutation Classification guidelines May 2016. Collection method: clinical testing. Allele origin: germline.

Brotman Baty Institute, University of Washington
No classification provided (evidence only). Condition: Breast-ovarian cancer, familial 1. Review status: no classification provided. Collection method: in vitro. Allele origin: not applicable. Functional consequence: functionally_abnormal. Not counted in ClinVar's aggregate classification.
ClinVar note: "not provided" was previously submitted as the classification for the variant. However, the classification appeared to be based only on an observation of functional data so it was converted to no classification on 2025-07-30.

Literature cited by the submitters: PubMed 25085752 (cited by Myriad Genetics, Inc.); PubMed 23239986 (cited by Labcorp Genetics (formerly Invitae), Labcorp); PubMed 23451180 (cited by Labcorp Genetics (formerly Invitae), Labcorp); PubMed 30209399 (cited by Labcorp Genetics (formerly Invitae), Labcorp); PubMed 17576681 (cited by Labcorp Genetics (formerly Invitae), Labcorp); PubMed 9536098 (cited by Labcorp Genetics (formerly Invitae), Labcorp); PubMed 27062684 (cited by Labcorp Genetics (formerly Invitae), Labcorp).

NM_007294.4(BRCA1):c.4986+5G>C

Gene: BRCA1 (BRCA1 DNA repair associated; minus strand). Cytogenetic location: 17q21.31.
Variant type: single nucleotide variant.
Coding change: c.4986+5G>C on transcript NM_007294.4 (MANE Select); 5 bases into the intron after coding-DNA position 4986, G replaced by C.
Molecular consequence: intron variant.
Genome position (GRCh38, 1-based): chr17:43,070,923, C>G on the plus strand (G>C on the coding strand, the complement: BRCA1 is on the minus strand). VCF-style: chr17-43070923-C-G. GRCh37 (hg19) VCF-style: chr17-41222940-C-G.
Other names: c.1533+5G>C (NM_001408458.1, NM_001408461.1, NM_001408464.1 and 7 more transcripts); c.4095+5G>C (NM_001407967.1); c.4605+5G>C (NM_001407959.1); c.4719+5G>C (NM_001407931.1, NM_001407932.1, NM_001407928.1 and 4 more transcripts); c.4842+5G>C (NM_001407747.1, NM_001407745.1, NM_001407737.1 and 21 more transcripts); c.4602+5G>C (NM_001407962.1, NM_001407960.1); c.1173+5G>C (NM_001408512.1); c.1296+5G>C (NM_001408510.1); and 71 more.
Identifiers: ClinVar variation 267562 (VCV000267562.13), dbSNP rs397509211, ClinGen allele CA10602586.